The following is an entry in ClinVar:

NM_001035.3(RYR2):c.5380A>T (p.Met1794Leu)

Gene: RYR2 (ryanodine receptor 2; plus strand). Cytogenetic location: 1q43.
Variant type: single nucleotide variant.
Coding change: c.5380A>T on transcript NM_001035.3 (MANE Select); coding-DNA position 5380, A replaced by T.
Protein change: p.Met1794Leu; replaces methionine 1794 with leucine.
Molecular consequence: missense variant.
Genome position (GRCh38, 1-based): chr1:237,614,508, A>T. VCF-style: chr1-237614508-A-T. GRCh37 (hg19) VCF-style: chr1-237777808-A-T.
Other names: short protein forms M1794L.
Identifiers: ClinVar variation 3949069 (VCV003949069.2).

ClinVar aggregate classification (germline): Uncertain significance. Review status: criteria provided, multiple submitters, no conflicts (2 of 4 stars). 2 submissions from 2 submitters: Uncertain significance (2). Last evaluated 2025-07-09.

Conditions:
Cardiovascular phenotype. Identifiers: MedGen CN230736.
Catecholaminergic polymorphic ventricular tachycardia 1. Also called: VENTRICULAR TACHYCARDIA, STRESS-INDUCED POLYMORPHIC 1; VENTRICULAR TACHYCARDIA, CATECHOLAMINERGIC POLYMORPHIC, 1, WITH OR WITHOUT ATRIAL DYSFUNCTION AND/OR DILATED CARDIOMYOPATHY; RYR2-Related Catecholaminergic Polymorphic Ventricular Tachycardia. Identifiers: Orphanet 3286, MedGen C1631597, MONDO:0011484, OMIM 604772.

Submissions (2):

Labcorp Genetics (formerly Invitae), Labcorp
Classification: Uncertain significance for Catecholaminergic polymorphic ventricular tachycardia 1. Last evaluated: 2025-07-09. Review status: criteria provided, single submitter. Criteria: Invitae Variant Classification Sherloc (09022015). Collection method: clinical testing. Allele origin: germline.
Comment: This sequence change replaces methionine, which is neutral and non-polar, with leucine, which is neutral and non-polar, at codon 1794 of the RYR2 protein (p.Met1794Leu). This variant is not present in population databases (gnomAD no frequency). This variant has not been reported in the literature in individuals affected with RYR2-related conditions. Invitae Evidence Modeling of protein sequence and biophysical properties (such as structural, functional, and spatial information, amino acid conservation, physicochemical variation, residue mobility, and thermodynamic stability) indicates that this missense variant is not expected to disrupt RYR2 protein function with a negative predictive value of 95%. In summary, the available evidence is currently insufficient to determine the role of this variant in disease. Therefore, it has been classified as a Variant of Uncertain Significance.

Ambry Genetics
Classification: Uncertain significance for Cardiovascular phenotype. Last evaluated: 2025-05-29. Review status: criteria provided, single submitter. Criteria: Ambry Variant Classification Scheme 2023. Collection method: clinical testing. Allele origin: germline.
Comment: The p.M1794L variant (also known as c.5380A>T), located in coding exon 37 of the RYR2 gene, results from an A to T substitution at nucleotide position 5380. The methionine at codon 1794 is replaced by leucine, an amino acid with highly similar properties. This amino acid position is highly conserved in available vertebrate species. In addition, the in silico prediction for this alteration is inconclusive. Based on the available evidence, the clinical significance of this variant remains unclear.